The following is an entry in ClinVar:

ClinVar aggregate classification (germline): Uncertain significance (1 of 4 stars; one submission).

Submission:

Labcorp Genetics (formerly Invitae), Labcorp
Classification: Uncertain significance. Last evaluated: 2025-06-24. Review status: criteria provided, single submitter. Criteria: Invitae Variant Classification Sherloc (09022015). Collection method: clinical testing. Allele origin: germline.
Comment: This sequence change replaces arginine, which is basic and polar, with cysteine, which is neutral and slightly polar, at codon 414 of the KCNH1 protein (p.Arg414Cys). This variant is present in population databases (no rsID available, gnomAD 0.0009%). This variant has not been reported in the literature in individuals affected with KCNH1-related conditions. Invitae Evidence Modeling of protein sequence and biophysical properties (such as structural, functional, and spatial information, amino acid conservation, physicochemical variation, residue mobility, and thermodynamic stability) has been performed for this missense variant. However, the output from this modeling did not meet the statistical confidence thresholds required to predict the impact of this variant on KCNH1 protein function. In summary, the available evidence is currently insufficient to determine the role of this variant in disease. Therefore, it has been classified as a Variant of Uncertain Significance.

NM_172362.3(KCNH1):c.1240C>T (p.Arg414Cys)

Gene: KCNH1 (potassium voltage-gated channel subfamily H member 1; minus strand). Cytogenetic location: 1q32.2.
Variant type: single nucleotide variant.
Coding change: c.1240C>T on transcript NM_172362.3 (MANE Select); coding-DNA position 1240, C replaced by T.
Protein change: p.Arg414Cys; replaces arginine 414 with cysteine.
Molecular consequence: missense variant.
Genome position (GRCh38, 1-based): chr1:210,919,862, G>A on the plus strand (C>T on the coding strand, the complement: KCNH1 is on the minus strand). VCF-style: chr1-210919862-G-A. GRCh37 (hg19) VCF-style: chr1-211093204-G-A.
Other names: c.1159C>T, p.Arg387Cys (NM_002238.4); short protein forms R387C, R414C.
Identifiers: ClinVar variation 4777414 (VCV004777414.1).